The following is an entry in ClinVar:

ClinVar aggregate classification (germline): Benign/Likely benign. Review status: criteria provided, multiple submitters, no conflicts (2 of 4 stars). 5 submissions from 5 submitters: Benign (2); Likely benign (2). 1 of the submissions does not count toward it. Last evaluated 2026-02-03.

Conditions:
MYLK-related disorder. Also called: MYLK-related condition.
Aortic aneurysm, familial thoracic 7 (AAT7). Also called: AORTIC DISSECTION, FAMILIAL, WITH OR WITHOUT AORTIC ANEURYSM. Identifiers: MedGen C3151077, MONDO:0013418, OMIM 613780.

Allele frequency attached by ClinVar (database versions not stated): gnomAD exomes 0.00008 and 0.00026; ExAC 0.00036; 1000 Genomes Project 30x 0.00078; 1000 Genomes Project 0.00080; gnomAD 0.00111 and 0.00125; TOPMed 0.00111; ESP Exome Variant Server 0.00131.
gnomAD v4.1: 292 of 1,613,636 alleles (0.018%); highest among the groups gnomAD compares: African/African-American, 0.36%; 1 homozygote.

Submissions (5):

Labcorp Genetics (formerly Invitae), Labcorp
Classification: Benign for Aortic aneurysm, familial thoracic 7. Last evaluated: 2026-02-03. Review status: criteria provided, single submitter. Criteria: Invitae Variant Classification Sherloc (09022015). Collection method: clinical testing. Allele origin: germline.

Mayo Clinic Laboratories, Mayo Clinic
Classification: Likely benign. Last evaluated: 2025-06-05. Review status: criteria provided, single submitter. Criteria: ACMG Guidelines, 2015. Collection method: clinical testing. Allele origin: germline. Observed: 1 variant allele.
Comment: BS1, BP4, BP7

Women's Health and Genetics/Laboratory Corporation of America, LabCorp
Classification: Benign. Last evaluated: 2023-08-24. Review status: criteria provided, single submitter. Criteria: LabCorp Variant Classification Summary - May 2015. Collection method: clinical testing. Allele origin: germline.

GeneDx
Classification: Likely benign. Last evaluated: 2018-04-09. Review status: criteria provided, single submitter. Criteria: GeneDx Variant Classification Process June 2021. Collection method: clinical testing. Allele origin: germline. Affected: yes.

PreventionGenetics, part of Exact Sciences
Classification: Likely benign for MYLK-related condition. Last evaluated: 2019-09-17. Review status: no assertion criteria provided. Collection method: clinical testing. Allele origin: germline. Not counted in ClinVar's aggregate classification.
Comment: This variant is classified as likely benign based on ACMG/AMP sequence variant interpretation guidelines (Richards et al. 2015 PMID: 25741868, with internal and published modifications).

NM_053025.4(MYLK):c.4415+9A>G

Gene: MYLK (myosin light chain kinase; minus strand). Cytogenetic location: 3q21.1.
Variant type: single nucleotide variant.
Coding change: c.4415+9A>G on transcript NM_053025.4 (MANE Select); 9 bases into the intron after coding-DNA position 4415, A replaced by G.
Molecular consequence: intron variant.
Genome position (GRCh38, 1-based): chr3:123,648,962, T>C on the plus strand (A>G on the coding strand, the complement: MYLK is on the minus strand). VCF-style: chr3-123648962-T-C. GRCh37 (hg19) VCF-style: chr3-123367809-T-C.
Other names: p.?; c.3887+9A>G (NM_001321309.2); c.4208+9A>G (NM_053028.4, NM_053026.4); c.4415+9A>G (NM_053027.4).
Identifiers: ClinVar variation 342871 (VCV000342871.21), dbSNP rs187964526, ClinGen allele CA071622.
Genomic context (GRCh38, chr3:123,648,962, plus strand): 5'-TGAATCTAACTGTGAGACCCGCACCACCCTCACCCTGGGAGCCCAGAGGCAACTTCCCAC[T>C]CCACTTACGATCCTAATCTCTCCTCAATGTCGTAGAAGTCAGATACTTTTTGTTCAGTAT-3'